The following is an entry in ClinVar:

ClinVar aggregate classification (germline): Uncertain significance. Review status: criteria provided, multiple submitters, no conflicts (2 of 4 stars). 5 submissions from 4 submitters: Uncertain significance (5). Last evaluated 2025-12-24.

Conditions:
Hereditary cancer-predisposing syndrome. Also called: Hereditary Cancer Syndrome; Neoplastic Syndromes, Hereditary; Tumor predisposition; Hereditary neoplastic syndrome. Identifiers: Orphanet 140162, MedGen C0027672, MeSH D009386, MONDO:0015356.
Cardiovascular phenotype. Identifiers: MedGen CN230736.
Neurofibromatosis, type 1 (NF1). Also called: NEUROFIBROMATOSIS, TYPE I, SOMATIC; VON RECKLINGHAUSEN DISEASE; Peripheral type neurofibromatosis; Neurofibromatosis, type I. Identifiers: Orphanet 636, MedGen C0027831, MONDO:0018975, OMIM 162200. Disease mechanism: loss of function.

gnomAD v4.1: 3 of 1,613,744 alleles (0.00019%); highest among the groups gnomAD compares: Non-Finnish European, 0.00025%; no homozygotes.

Submissions (5):

Labcorp Genetics (formerly Invitae), Labcorp
Classification: Uncertain significance for Neurofibromatosis, type 1. Last evaluated: 2025-12-24. Review status: criteria provided, single submitter. Criteria: Invitae Variant Classification Sherloc (09022015). Collection method: clinical testing. Allele origin: germline.
Comment: This sequence change replaces serine, which is neutral and polar, with phenylalanine, which is neutral and non-polar, at codon 2642 of the NF1 protein (p.Ser2642Phe). This variant is not present in population databases (gnomAD no frequency). This variant has not been reported in the literature in individuals affected with NF1-related conditions. ClinVar contains an entry for this variant (Variation ID: 185941). Invitae Evidence Modeling of protein sequence and biophysical properties (such as structural, functional, and spatial information, amino acid conservation, physicochemical variation, residue mobility, and thermodynamic stability) has been performed for this missense variant. However, the output from this modeling did not meet the statistical confidence thresholds required to predict the impact of this variant on NF1 protein function. In summary, the available evidence is currently insufficient to determine the role of this variant in disease. Therefore, it has been classified as a Variant of Uncertain Significance.

Genome-Nilou Lab
Classification: Uncertain significance for Neurofibromatosis, type 1. Last evaluated: 2022-03-15. Review status: criteria provided, single submitter. Criteria: ACMG Guidelines, 2015. Collection method: clinical testing. Allele origin: germline. Affected: no.

Ambry Genetics
Classification: Uncertain significance for Cardiovascular phenotype; Hereditary cancer-predisposing syndrome. Last evaluated: 2020-06-11. Review status: criteria provided, single submitter. Criteria: Ambry Variant Classification Scheme 2023. Collection method: clinical testing. Allele origin: germline.

Laboratory for Molecular Medicine, Mass General Brigham Personalized Medicine
Classification: Uncertain significance. Last evaluated: 2016-01-12. Review status: criteria provided, single submitter. Criteria: LMM Criteria. Collection method: clinical testing. Allele origin: germline. Observed: 2 variant alleles.
Comment: Variant classified as Uncertain Significance - Favor Benign. It was absent from large population stu dies (dbSNP rs786202579). Computational prediction tools and conservation analys is do not provide strong support for or against an impact to the protein. In sum mary, while the clinical significance of the p.Ser2663Phe variant is uncertain, these data suggest that it is more likely to benign.

Ambry Genetics
Classification: Uncertain significance for Hereditary cancer-predisposing syndrome. Last evaluated: 2014-09-10. Review status: criteria provided, single submitter. Criteria: Ambry Autosomal Dominant and X-Linked criteria (10/2015). Collection method: clinical testing. Allele origin: germline. Observed: 1 variant allele.
Comment: The p.S2663F variant (also known as c.7988C>T), located in coding exon 55 of the NF1 gene, results from a C to T substitution at nucleotide position 7988. The serine at codon 2663 is replaced by phenylalanine, an amino acid with highly dissimilar properties. This variant was not reported in population based cohorts in the following databases: Database of Single Nucleotide Polymorphisms (dbSNP), NHLBI Exome Sequencing Project (ESP), and 1000 Genomes Project. In the ESP, this variant was not observed in 6503 samples (13006 alleles) with coverage at this position. To date, this alteration has been detected with an allele frequency of approximately 0.01% (greater than 11000 alleles tested) in our clinical cohort (includes this individual). This amino acid position is highly conserved in available vertebrate species. In addition, this alteration is predicted to be benign and tolerated by PolyPhen and SIFT in silico analyses, respectively. Based on available evidence to date, the clinical significance of this variant remains unclear.

NM_001042492.3(NF1):c.7988C>T (p.Ser2663Phe)

Gene: NF1 (neurofibromin 1; plus strand). Cytogenetic location: 17q11.2.
Variant type: single nucleotide variant.
Coding change: c.7988C>T on transcript NM_001042492.3 (MANE Select); coding-DNA position 7988, C replaced by T.
Protein change: p.Ser2663Phe; replaces serine 2663 with phenylalanine.
Molecular consequence: missense variant.
Genome position (GRCh38, 1-based): chr17:31,358,497, C>T. VCF-style: chr17-31358497-C-T. GRCh37 (hg19) VCF-style: chr17-29685515-C-T.
Other names: c.7925C>T, p.Ser2642Phe (NM_000267.4); short protein forms S2642F, S2663F.
Identifiers: ClinVar variation 185941 (VCV000185941.16), dbSNP rs786202579, ClinGen allele CA193440.